The following is an entry in ClinVar:

ClinVar aggregate classification (germline): Uncertain significance (1 of 4 stars; one submission).

Submission:

Labcorp Genetics (formerly Invitae), Labcorp
Classification: Uncertain significance. Last evaluated: 2022-05-30. Review status: criteria provided, single submitter. Criteria: Invitae Variant Classification Sherloc (09022015). Collection method: clinical testing. Allele origin: germline.
Comment: In summary, the available evidence is currently insufficient to determine the role of this variant in disease. Therefore, it has been classified as a Variant of Uncertain Significance. Algorithms developed to predict the effect of missense changes on protein structure and function output the following: SIFT: "Tolerated"; PolyPhen-2: "Benign"; Align-GVGD: "Class C0". The lysine amino acid residue is found in multiple mammalian species, which suggests that this missense change does not adversely affect protein function. This variant has not been reported in the literature in individuals affected with EYS-related conditions. This variant is not present in population databases (gnomAD no frequency). This sequence change replaces glutamic acid, which is acidic and polar, with lysine, which is basic and polar, at codon 1011 of the EYS protein (p.Glu1011Lys).

NM_001142800.2(EYS):c.3031G>A (p.Glu1011Lys)

Gene: EYS (EGF-like photoreceptor maintenance factor; minus strand). Cytogenetic location: 6q12.
Variant type: single nucleotide variant.
Coding change: c.3031G>A on transcript NM_001142800.2 (MANE Select); coding-DNA position 3031, G replaced by A.
Protein change: p.Glu1011Lys; replaces glutamic acid 1011 with lysine.
Molecular consequence: missense variant.
Genome position (GRCh38, 1-based): chr6:64,822,784, C>T on the plus strand (G>A on the coding strand, the complement: EYS is on the minus strand). VCF-style: chr6-64822784-C-T. GRCh37 (hg19) VCF-style: chr6-65532677-C-T.
Other names: c.3031G>A, p.Glu1011Lys (NM_001292009.2); short protein forms E1011K.
Identifiers: ClinVar variation 2428080 (VCV002428080.6), dbSNP rs2533169467, ClinGen allele CA364787947.
Genomic context (GRCh38, chr6:64,822,784, plus strand): 5'-TGCAGTCACAGGTATAATGATTGATGCCATCGATACAAACTCCATCATGGAGACAGGGCT[C>T]TGATAGGCATTCATCTAGATTTATTTCACAGTTGATGCCTGTGTTGGAACAGACAAGGCA-3'
Protein context (NP_001136272.1, residues 1001-1021): CEINLDECLS[Glu1011Lys]PCLHDGVCID